The following is an entry in ClinVar:

ClinVar aggregate classification (germline): Conflicting classifications of pathogenicity. Review status: criteria provided, conflicting classifications (1 of 4 stars). 10 submissions from 10 submitters: Pathogenic (1); Likely pathogenic (2); Uncertain significance (5). 2 of the submissions do not count toward it. Last evaluated 2026-04-02.

Conditions:
Early-infantile DEE. Also called: Early infantile epileptic encephalopathy; Early infantile epileptic encephalopathy with suppression bursts; Ohtahara syndrome. Identifiers: Orphanet 1934, MedGen C0393706, MONDO:0800491.
Autosomal dominant KCNQ2-related disorders.
Inborn genetic diseases. Identifiers: MedGen C0950123, MeSH D030342.
Seizures, benign familial neonatal, 1. Also called: KCNQ2-Related Benign Familial Neonatal Epilepsy; Benign Neonatal Epilepsy 1; KCNQ2-Related Self-Limited Familial Neonatal Epilepsy (SLFNE); Seizures, benign neonatal, 1. Identifiers: Orphanet 1949, MedGen C3149074, MONDO:0007365, OMIM 121200.
Developmental and epileptic encephalopathy, 7 (DEE7). Also called: KCNQ2-Related Neonatal Epileptic Encephalopathy; KCNQ2-Related Neonatal-Onset Developmental and Epileptic Encephalopathy (NEO-DEE); Early infantile epileptic encephalopathy 7. Identifiers: Orphanet 439218, MedGen C3150986, MONDO:0013387, OMIM 613720.
Epilepsy. Also called: Seizure disorder. Identifiers: MedGen C0014544, MeSH D004827, MONDO:0005027.

Allele frequency attached by ClinVar (database versions not stated): gnomAD exomes below 0.00001 and 0.00001; gnomAD 0.00001; TOPMed 0.00003.
gnomAD v4.1: 21 of 1,612,582 alleles (0.0013%); highest among the groups gnomAD compares: Admixed American, 0.0017%; no homozygotes.

Submissions (16):

Ambry Genetics
Classification: Uncertain significance for Inborn genetic diseases. Last evaluated: 2026-04-02. Review status: criteria provided, single submitter. Criteria: Ambry Variant Classification Scheme 2023. Collection method: clinical testing. Allele origin: germline.
Comment: The c.1627G>A (p.V543M) alteration is located in exon 14 (coding exon 14) of the KCNQ2 gene. This alteration results from a G to A substitution at nucleotide position 1627, causing the valine (V) at amino acid position 543 to be replaced by a methionine (M). Based on data from gnomAD, the A allele has an overall frequency of <0.001% (1/247742) total alleles studied. The highest observed frequency was 0.001% (1/110382) of European (non-Finnish) alleles. This variant was reported in individual(s) with features consistent with KCNQ2-related seizure disorder; in at least one individual, it was determined to be de novo (Butler, 2017; Lee, 2017; Leduc-Pessah, 2022; Ambry internal data). This amino acid position is well conserved in available vertebrate species. In multiple assays testing KCNQ2 function, this variant showed functionally abnormal results (Lee, 2017; Vanoye, 2022). This alteration is predicted to be deleterious by in silico analysis. Based on insufficient or conflicting evidence, the clinical significance of this alteration remains unclear.

Cytogénomique, Hospices Civils de Lyon
Classification: Likely pathogenic for Epilepsy. Last evaluated: 2025-12-23. Review status: criteria provided, single submitter. Criteria: ACMG Guidelines, 2015. Collection method: clinical testing. Allele origin: germline. Affected: yes.

GeneDx
Classification: Uncertain significance. Last evaluated: 2025-12-09. Review status: criteria provided, single submitter. Criteria: GeneDx Variant Classification Process June 2021. Collection method: clinical testing. Allele origin: germline. Affected: yes.
Comment: Identified in a patient with self-limited familial neonatal epilepsy; also present in affected father and 2 paternal aunts with neonatal epilepsy (PMID: 28399683); Reported in patients with unspecified seizures in the published literature, including a patient with developmental delay, congenital anomalies, and macrocephaly; however parental test results and clinical details were limited (PMID: 35627257, 29056246); Published functional studies describe a mild electrophysiological change and a partial reduction of channel function compared to wild type (PMID: 28399683, 35104249); In silico analysis suggests that this missense variant does not alter protein structure/function; This variant is associated with the following publications: (PMID: 28399683, 35104249, 35627257, 29056246, 31199083, 35269516, 32863083, 27602407)

Variantyx, Inc.
Classification: Likely pathogenic for Autosomal dominant KCNQ2-related disorders. Last evaluated: 2025-08-15. Review status: criteria provided, single submitter. Criteria: Variantyx Assertion Criteria 2022. Collection method: clinical testing. Allele origin: germline. Inheritance: Autosomal dominant inheritance. Affected: yes.
Comment: This is a nonsynonymous variant in the KCNQ2 gene (OMIM: 602235). Pathogenic variants in this gene have been associated with autosomal dominant KCNQ2-related disorders. This variant has been reported in individuals affected with seizures (PMID: 31199083, 32863083) (PS4). Functional studies have shown that this variant alters KCNQ2 protein function (PMID: 28399683) (PS3), and multiple computational algorithms predict a deleterious effect for this variant (REVEL score: 0.774) (PP3). Moreover, the variant lies within a known hotspot for pathogenic variants in the KCNQ2 protein (PM1). It has a 0.0017% maximum allele frequency in non-founder control populations (PM2). Based on the current evidence, this variant is classified as likely pathogenic for autosomal dominant KCNQ2-related disorders.Inheritance from an unaffected parent or a parent with unknown affected status has been reported, consistent with incomplete penetrance (PMID:25982755).

Labcorp Genetics (formerly Invitae), Labcorp
Classification: Pathogenic for Early-infantile DEE. Last evaluated: 2025-08-11. Review status: criteria provided, single submitter. Criteria: Invitae Variant Classification Sherloc (09022015). Collection method: clinical testing. Allele origin: germline.
Comment: This sequence change replaces valine, which is neutral and non-polar, with methionine, which is neutral and non-polar, at codon 543 of the KCNQ2 protein (p.Val543Met). This variant is present in population databases (rs794727134, gnomAD 0.0009%). This missense change has been observed in individuals with clinical features of benign familial neonatal-infantile seizures or early infantile epileptic encephalopathy (PMID: 28399683, 29056246, 31199083; internal data). It has also been observed to segregate with disease in related individuals. ClinVar contains an entry for this variant (Variation ID: 194446). Invitae Evidence Modeling of protein sequence and biophysical properties (such as structural, functional, and spatial information, amino acid conservation, physicochemical variation, residue mobility, and thermodynamic stability) indicates that this missense variant is expected to disrupt KCNQ2 protein function with a positive predictive value of 95%. Experimental studies have shown that this missense change affects KCNQ2 function (PMID: 28399683). For these reasons, this variant has been classified as Pathogenic.

CeGaT Center for Human Genetics Tuebingen
Classification: Uncertain significance. Last evaluated: 2025-06-01. Review status: criteria provided, single submitter. Criteria: CeGaT Center For Human Genetics Tuebingen Variant Classification Criteria Version 2. Collection method: clinical testing. Allele origin: germline. Affected: yes. Observed: 2 variant alleles.
Comment: KCNQ2: PP3

Fulgent Genetics
Classification: Uncertain significance for Seizures, benign familial neonatal, 1; Developmental and epileptic encephalopathy, 7. Last evaluated: 2018-10-31. Review status: criteria provided, single submitter. Criteria: ACMG Guidelines, 2015. Collection method: clinical testing. Allele origin: unknown.

Eurofins Ntd Llc (ga)
Classification: Uncertain significance. Last evaluated: 2018-06-25. Review status: criteria provided, single submitter. Criteria: EGL ClinVar v180209 classification definitions. Collection method: clinical testing. Allele origin: germline. Observed: 4 variant alleles, 4 heterozygotes.

Centre de Biologie Pathologie Génétique, Centre Hospitalier Universitaire de Lille
Classification: Pathogenic for Developmental and epileptic encephalopathy, 7. Last evaluated: 2020-01-01. Review status: no assertion criteria provided. Collection method: clinical testing. Allele origin: germline. Affected: yes. Not counted in ClinVar's aggregate classification.

Clinical Molecular Genetics Laboratory, Johns Hopkins All Children's Hospital
Classification: Likely pathogenic for Epilepsy, Benign Neonatal, 1. Last evaluated: 2016-11-15. Review status: no assertion criteria provided. Collection method: clinical testing. Allele origin: germline. Affected: yes. Not counted in ClinVar's aggregate classification.

Channelopathy-Associated Epilepsy Research Center
No classification provided (evidence only). Condition: Complex neurodevelopmental disorder. Review status: no classification provided. Collection method: literature only. Allele origin: not applicable. Functional consequence: Severe decrease in peak current, Severe slowing of activation, Severe hyperpolarizing shift of voltage dependence of activation. Not counted in ClinVar's aggregate classification.
ClinVar note: "not provided" was previously submitted as the classification for the variant. However, the classification appeared to be based only on an observation of functional data so it was converted to no classification on 2025-07-30.

Channelopathy-Associated Epilepsy Research Center
No classification provided (evidence only). Review status: no classification provided. Collection method: in vitro. Allele origin: not applicable. Functional consequence: Normal peak current. Not counted in ClinVar's aggregate classification.

Channelopathy-Associated Epilepsy Research Center
No classification provided (evidence only). Review status: no classification provided. Collection method: in vitro. Allele origin: not applicable. Functional consequence: Normal peak current. Not counted in ClinVar's aggregate classification.

Channelopathy-Associated Epilepsy Research Center
No classification provided (evidence only). Review status: no classification provided. Collection method: in vitro. Allele origin: not applicable. Functional consequence: Hyperpolarizing shift of voltage dependence of activation. Not counted in ClinVar's aggregate classification.

Channelopathy-Associated Epilepsy Research Center
No classification provided (evidence only). Review status: no classification provided. Collection method: in vitro. Allele origin: not applicable. Functional consequence: Normal slope of activation. Not counted in ClinVar's aggregate classification.

Channelopathy-Associated Epilepsy Research Center
No classification provided (evidence only). Review status: no classification provided. Collection method: in vitro. Allele origin: not applicable. Functional consequence: Slowing of activation. Not counted in ClinVar's aggregate classification.

Literature cited by the submitters: PubMed 28399683 (cited by 4 submitters); PubMed 29056246 (cited by Ambry Genetics and Labcorp Genetics (formerly Invitae), Labcorp); PubMed 35104249 (cited by Ambry Genetics and Channelopathy-Associated Epilepsy Research Center); PubMed 35627257 (cited by Ambry Genetics); PubMed 31199083 (cited by Variantyx, Inc. and Labcorp Genetics (formerly Invitae), Labcorp); PubMed 32863083 (cited by Variantyx, Inc.).

NM_172107.4(KCNQ2):c.1627G>A (p.Val543Met)

Gene: KCNQ2 (potassium voltage-gated channel subfamily Q member 2; minus strand). Cytogenetic location: 20q13.33.
Variant type: single nucleotide variant.
Coding change: c.1627G>A on transcript NM_172107.4 (MANE Select); coding-DNA position 1627, G replaced by A.
Protein change: p.Val543Met; replaces valine 543 with methionine.
Molecular consequence: missense variant.
Genome position (GRCh38, 1-based): chr20:63,414,092, C>T on the plus strand (G>A on the coding strand, the complement: KCNQ2 is on the minus strand). VCF-style: chr20-63414092-C-T. GRCh37 (hg19) VCF-style: chr20-62045445-C-T.
Other names: p.V543M:GTG>ATG; c.1543G>A, p.Val515Met (NM_004518.6); c.1573G>A, p.Val525Met (NM_172106.3); c.1534G>A, p.Val512Met (NM_172108.5); short protein forms V543M, V515M, V525M, V512M.
Identifiers: ClinVar variation 194446 (VCV000194446.38), dbSNP rs794727134, ClinGen allele CA240402.
Genomic context (GRCh38, chr20:63,414,092, plus strand): 5'-CCGAGCGGGAGGCCCCTCCTCACTCCCCCAGGCTCCCGGCTGGGCAGGGGCCTCACCACA[C>T]GGCTCTGATGCTGACTTTGAGGCCCGGGGTCAGGTCCTCGGTCACAAACTCGCAGGGGCA-3'
Protein context (NP_742105.1, residues 533-553): TPGLKVSIRA[Val543Met]CVMRFLVSKR